The following is an entry in ClinVar:

NM_002860.4(ALDH18A1):c.2293C>T (p.Arg765Ter)

Gene: ALDH18A1 (aldehyde dehydrogenase 18 family member A1; minus strand). Cytogenetic location: 10q24.1.
Variant type: single nucleotide variant.
Coding change: c.2293C>T on transcript NM_002860.4 (MANE Select); coding-DNA position 2293, C replaced by T.
Protein change: p.Arg765Ter; replaces arginine 765 with a stop codon.
Molecular consequence: nonsense.
Genome position (GRCh38, 1-based): chr10:95,606,857, G>A on the plus strand (C>T on the coding strand, the complement: ALDH18A1 is on the minus strand). VCF-style: chr10-95606857-G-A. GRCh37 (hg19) VCF-style: chr10-97366614-G-A.
Other names: c.2287C>T, p.Arg763Ter (NM_001017423.2, NM_001323415.2); c.1960C>T, p.Arg654Ter (NM_001323412.2, NM_001323416.2); c.2293C>T, p.Arg765Ter (NM_001323413.2, NM_001323414.2); c.2188C>T, p.Arg730Ter (NM_001323417.2); c.1954C>T, p.Arg652Ter (NM_001323418.2); c.1657C>T, p.Arg553Ter (NM_001323419.2); short protein forms R765*, R652*, R730*, R763*, R553*, R654*.
Identifiers: ClinVar variation 489087 (VCV000489087.52), dbSNP rs1462559161, ClinGen allele CA377698996.
Genomic context (GRCh38, chr10:95,606,857, plus strand): 5'-CATGAAGATATTTTAAACTTCCATGCTCTGAGAAATCTGAGACCACGTGGTCCTTCCCTC[G>A]CAGCAGCCACTTAGTAGTAAGCAGTCCCTCAAGTCCTACTGGTCCCCGGGCGTGGATTCT-3'

ClinVar aggregate classification (germline): Conflicting classifications of pathogenicity. Review status: criteria provided, conflicting classifications (1 of 4 stars). 5 submissions from 5 submitters: Likely pathogenic (2); Uncertain significance (3). Last evaluated 2025-12-17.

Conditions:
Cutis laxa, autosomal dominant 3 (ADCL3). Identifiers: Orphanet 90348, MedGen C4225268, MONDO:0014706, OMIM 616603.
Autosomal dominant spastic paraplegia type 9. Identifiers: MedGen C1832669, MONDO:0015091.
de Barsy syndrome. Also called: Cutis laxa-corneal clouding-oligophrenia syndrome. Identifiers: Orphanet 2962, MedGen C0268354, MONDO:0017569.

Allele frequency attached by ClinVar (database versions not stated): gnomAD exomes below 0.00001; TOPMed below 0.00001; gnomAD 0.00001.
gnomAD v4.1: 3 of 1,614,010 alleles (0.00019%); highest among the groups gnomAD compares: Non-Finnish European, 0.00025%; no homozygotes.

Submissions (5):

GeneDx
Classification: Likely pathogenic. Last evaluated: 2025-12-17. Review status: criteria provided, single submitter. Criteria: GeneDx Variant Classification Process June 2021. Collection method: clinical testing. Allele origin: germline. Affected: yes.
Comment: Identified in a patient with clinical features consistent with an ALDH18A1-related disorder who had a second variant identified on the opposite allele (in trans) (PMID: 33144682); Nonsense variant predicted to result in protein truncation, as the last 31 amino acids are lost, and other loss-of-function variants have been reported downstream in HGMD; Not observed at significant frequency in large population cohorts (gnomAD); This variant is associated with the following publications: (PMID: 41300605, 33144682)

Labcorp Genetics (formerly Invitae), Labcorp
Classification: Uncertain significance for Autosomal dominant spastic paraplegia type 9; de Barsy syndrome; Cutis laxa, autosomal dominant 3. Last evaluated: 2024-12-08. Review status: criteria provided, single submitter. Criteria: Invitae Variant Classification Sherloc (09022015). Collection method: clinical testing. Allele origin: germline.
Comment: This sequence change creates a premature translational stop signal (p.Arg765*) in the ALDH18A1 gene. While this is not anticipated to result in nonsense mediated decay, it is expected to disrupt the last 31 amino acid(s) of the ALDH18A1 protein. This variant is not present in population databases (gnomAD no frequency). This premature translational stop signal has been observed in individual(s) with multiple congenital anomalies (PMID: 33144682). ClinVar contains an entry for this variant (Variation ID: 489087). In summary, the available evidence is currently insufficient to determine the role of this variant in disease. Therefore, it has been classified as a Variant of Uncertain Significance.

Blueprint Genetics
Classification: Uncertain significance. Last evaluated: 2023-04-24. Review status: criteria provided, single submitter. Criteria: ACMG Guidelines, 2015. Collection method: clinical testing. Allele origin: germline.

CeGaT Center for Human Genetics Tuebingen
Classification: Uncertain significance. Last evaluated: 2019-04-01. Review status: criteria provided, single submitter. Criteria: CeGaT Center For Human Genetics Tuebingen Variant Classification Criteria Version 2. Collection method: clinical testing. Allele origin: germline. Affected: yes. Observed: 2 variant alleles.

Baylor Genetics
Classification: Likely pathogenic for Cutis laxa, autosomal dominant 3. Review status: criteria provided, single submitter. Criteria: ACMG Guidelines, 2015. Collection method: clinical testing. Allele origin: unknown.

Literature cited by the submitters: PubMed 33144682 (cited by Labcorp Genetics (formerly Invitae), Labcorp).